The following is an entry in ClinVar:

NM_000057.4(BLM):c.3148T>C (p.Phe1050Leu)

Gene: BLM (BLM RecQ like helicase; plus strand). Cytogenetic location: 15q26.1.
Variant type: single nucleotide variant.
Coding change: c.3148T>C on transcript NM_000057.4 (MANE Select); coding-DNA position 3148, T replaced by C.
Protein change: p.Phe1050Leu; replaces phenylalanine 1050 with leucine.
Molecular consequence: missense variant.
Genome position (GRCh38, 1-based): chr15:90,794,295, T>C. VCF-style: chr15-90794295-T-C. GRCh37 (hg19) VCF-style: chr15-91337525-T-C.
Other names: c.3148T>C, p.Phe1050Leu (NM_001287246.2, NM_001287247.2); c.2023T>C, p.Phe675Leu (NM_001287248.2); short protein forms F1050L, F675L.
Identifiers: ClinVar variation 1469290 (VCV001469290.5), dbSNP rs2151187365, ClinGen allele CA393846939.

ClinVar aggregate classification (germline): Uncertain significance (1 of 4 stars; one submission).

Conditions:
Bloom syndrome (BLM). Also called: Bloom-Torre-Machacek syndrome. Identifiers: Orphanet 125, MedGen C0005859, MONDO:0008876, OMIM 210900.

Submission:

Labcorp Genetics (formerly Invitae), Labcorp
Classification: Uncertain significance for Bloom syndrome. Last evaluated: 2021-08-31. Review status: criteria provided, single submitter. Criteria: Invitae Variant Classification Sherloc (09022015). Collection method: clinical testing. Allele origin: germline.
Comment: This sequence change replaces phenylalanine with leucine at codon 1050 of the BLM protein (p.Phe1050Leu). The phenylalanine residue is highly conserved and there is a small physicochemical difference between phenylalanine and leucine. This variant is not present in population databases (ExAC no frequency). This variant has not been reported in the literature in individuals affected with BLM-related conditions. Algorithms developed to predict the effect of missense changes on protein structure and function are either unavailable or do not agree on the potential impact of this missense change (SIFT: "Deleterious"; PolyPhen-2: "Benign"; Align-GVGD: "Class C0"). In summary, the available evidence is currently insufficient to determine the role of this variant in disease. Therefore, it has been classified as a Variant of Uncertain Significance.